The following is an entry in ClinVar:

ClinVar aggregate classification (germline): Pathogenic. Review status: criteria provided, multiple submitters, no conflicts (2 of 4 stars). 31 submissions from 31 submitters: Pathogenic (29). 2 of the submissions do not count toward it. Last evaluated 2026-07-01.

Conditions:
PKP2-related disorder. Also called: PKP2-related condition.
Familial isolated arrhythmogenic right ventricular dysplasia. Identifiers: Orphanet 217656, MedGen C4274968, MONDO:0016342.
Cardiovascular phenotype. Identifiers: MedGen CN230736.
Arrhythmogenic right ventricular cardiomyopathy (ARVD). Also called: Arrhythmogenic cardiomyopathy; Arrhythmogenic Right Ventricular Cardiomyopathy (ARVC); Cardiomyopathy, ARVC; Arrhythmogenic right ventricular dysplasia. Identifiers: Orphanet 247, MedGen C0349788, MeSH D019571, MONDO:0016587. Disease mechanism: loss of function. Inheritance: Various modes of inheritance.
Cardiomyopathy (CMYO). Also called: Cardiomyopathies. Identifiers: Orphanet 167848, MedGen C0878544, MONDO:0004994, HP:0001638. Inheritance: Various modes of inheritance.
Arrhythmogenic right ventricular dysplasia 9 (ARVD9). Also called: Arrhythmogenic Right Ventricular Dysplasia/Cardiomyopathy 9; ARRHYTHMOGENIC RIGHT VENTRICULAR DYSPLASIA, FAMILIAL, 9. Identifiers: MedGen C1836906, MONDO:0012180, OMIM 609040.

Submissions 1 to 8 of 31:

CeGaT Center for Human Genetics Tuebingen
Classification: Pathogenic. Last evaluated: 2026-07-01. Review status: criteria provided, single submitter. Criteria: CeGaT Center For Human Genetics Tuebingen Variant Classification Criteria Version 2. Collection method: clinical testing. Allele origin: germline. Affected: yes. Observed: 2 variant alleles.
Comment: PKP2: PVS1, PM2, PS4:Moderate

PreventionGenetics, part of Exact Sciences
Classification: Pathogenic for PKP2-related condition. Last evaluated: 2026-03-16. Review status: criteria provided, single submitter. Criteria: ACMG Guidelines, 2015. Collection method: clinical testing. Allele origin: germline.
Comment: The PKP2 c.148_151delACAG variant is predicted to result in a frameshift and premature protein termination (p.Thr50Serfs*61). This variant is alternatively referred to as (c.145_148del; S50fx100, T50SfsX60) in literature. It has been reported in several individuals with arrhythmogenic right ventricular dysplasia/cardiomyopathy (ARVD/C) (see for example, Table 1, Gerull et al. 2004. PubMed ID: 15489853; Bauce et al. 2009. PubMed ID: 20129281; Table 2, Dalal et al. 2006. PubMed ID: 17010805; Table S2, Hermida et al. 2019. PubMed ID: 30790397). This variant has also been reported in an individual with left ventricular noncompaction (LVNC) (Table 2, Hirono et al. 2020. PubMed ID: 32183154) and a survivor of sudden cardiac arrest (Table 2, Asatryan et al. 2019. PubMed ID: 30975432). This variant has been reported in asymptomatic or mildly affected family members, which may be related to age of disease presentation (Bauce et al. 2009. PubMed ID: 20129281; Table 2, Dalal et al. 2006. PubMed ID: 17010805). This variant has not been reported in a large population database (gnomAD), indicating this variant is rare. Frameshift variants in PKP2 are expected to be pathogenic. This variant is interpreted as pathogenic.

Labcorp Genetics (formerly Invitae), Labcorp
Classification: Pathogenic for Arrhythmogenic right ventricular dysplasia 9. Last evaluated: 2026-01-31. Review status: criteria provided, single submitter. Criteria: Invitae Variant Classification Sherloc (09022015). Collection method: clinical testing. Allele origin: germline.
Comment: This sequence change creates a premature translational stop signal (p.Thr50Serfs*61) in the PKP2 gene. It is expected to result in an absent or disrupted protein product. Loss-of-function variants in PKP2 are known to be pathogenic (PMID: 15489853, 17041889, 23911551). This variant is not present in population databases (gnomAD no frequency). This premature translational stop signal has been observed in individuals with arrythmogenic right ventricular cardiomyopathy (PMID: 15489853, 16415378, 16567567, 17010805, 19302745, 20400443, 23347029, 24200905). It has also been observed to segregate with disease in related individuals. This variant is also known as c.145_148delCAGA. ClinVar contains an entry for this variant (Variation ID: 45028). For these reasons, this variant has been classified as Pathogenic.

Variantyx, Inc.
Classification: Pathogenic for Arrhythmogenic right ventricular dysplasia 9. Last evaluated: 2025-11-21. Review status: criteria provided, single submitter. Criteria: Variantyx Assertion Criteria 2022. Collection method: clinical testing. Allele origin: germline. Inheritance: Autosomal dominant inheritance. Affected: no.
Comment: This is a frameshift variant in the PKP2 gene (OMIM: 602861). Pathogenic variants in this gene have been associated with autosomal dominant arrhythmogenic right ventricular dysplasia 9. This variant introduces a premature termination codon in exon 2 out of 13 and is expected to result in loss of function, which is a known disease mechanism for PKP2 in this disorder (PMID: 17010805, 29038103, 20400443) (PVS1). This variant has been reported in multiple unrelated affected individuals (PMID: 15489853, 17010805, 16567567, 20400443, 16415378, 23347029, 24200905, 35653365) (PS4_Moderate) and it has been observed to segregate with disease in at least 3 individuals from 2 families (PMID: 17010805, 20129281) (PP1). This variant has a 0.0068% maximum allele frequency in non-founder control populations (PM2). Based on the current evidence, this variant is classified as pathogenic for autosomal dominant arrhythmogenic right ventricular dysplasia 9.

First Genomix Gene Laboratory, Genetic Diagnostics Department
Classification: Pathogenic for Arrhythmogenic right ventricular dysplasia 9. Last evaluated: 2025-01-13. Review status: criteria provided, single submitter. Criteria: ACMG Guidelines, 2015. Collection method: clinical testing. Allele origin: germline. Inheritance: Autosomal dominant inheritance. Affected: no. Observed: 1 variant allele.

Rady Children's Institute for Genomic Medicine, Rady Children's Hospital San Diego
Classification: Pathogenic for Arrhythmogenic right ventricular cardiomyopathy. Last evaluated: 2024-11-29. Review status: criteria provided, single submitter. Criteria: ACMG Guidelines, 2015. Collection method: clinical testing. Allele origin: germline. Affected: yes.
Comment: This variant is also referred to as c.145_148delCAGA, c.144_148delCAGA, (p.S50fsX110), or (p.Thr50_Val51SerfsX60) in the literature. This frameshifting variant in exon 1 of 14 is predicted to result in loss of normal protein function through either protein truncation or nonsense-mediated mRNA decay. Loss-of-function variation in PKP2 is an established mechanism of disease (PMID: 20301310). This is a known Pathogenic variant that has been previously reported as a heterozygous change in individuals with arrhythmogenic right ventricular cardiomyopathy (PMID: 16415378, 16549640, 16567567, 17010805, 19302745, 20031616, 20129281, 20152563, 20400443, 21606396, 32372669, 35653365). Functional studies demonstrated that the c.148_151del (p.Thr50SerfsTer61) variant results in decreased protein levels and abnormal desmosomal function (PMID: 24200905). The c.148_151del (p.Thr50SerfsTer61) variant is present in the latest version of the gnomAD population database at an allele frequency of 0.003% (51/1589620). Based on the available evidence, c.148_151del (p.Thr50SerfsTer61) is classified as Pathogenic.

3billion
Classification: Pathogenic for Arrhythmogenic right ventricular dysplasia 9. Last evaluated: 2024-11-19. Review status: criteria provided, single submitter. Criteria: ACMG Guidelines, 2015. Collection method: clinical testing. Allele origin: germline. Affected: yes.
Comment: The variant is observed at an extremely low frequency in the gnomAD v4.1.0 dataset (total allele frequency: 0.003%). Predicted Consequence/Location: Frameshift: predicted to result in a loss or disruption of normal protein function through nonsense-mediated decay (NMD) or protein truncation. Multiple pathogenic variants are reported downstream of the variant. The variant has been reported at least twice as pathogenic with clinical assertions and evidence for the classification (ClinVar ID: VCV000045028 /PMID: 15489853 /3billion dataset). Therefore, this variant is classified as Pathogenic according to the recommendation of ACMG/AMP guideline.

Color Diagnostics, LLC DBA Color Health
Classification: Pathogenic for Cardiomyopathy. Last evaluated: 2024-09-24. Review status: criteria provided, single submitter. Criteria: ACMG Guidelines, 2015. Collection method: clinical testing. Allele origin: germline.
Comment: This variant (also known as c.145_148delCAGA) deletes 4 nucleotides in exon 1 of the PKP2 gene, creating a frameshift and premature translation stop signal. This variant is expected to result in an absent or non-functional protein product. This variant has been reported in over ten individuals affected with arrhythmogenic right ventricular cardiomyopathy (PMID: 15489853, 16415378, 16567567, 17010805, 19302745, 20400443, 20129281, 23347029, 24200905). This variant has not been identified in the general population by the Genome Aggregation Database (gnomAD). Loss of PKP2 function is a known mechanism of disease. Based on the available evidence, this variant is classified as Pathogenic.

NM_001005242.3(PKP2):c.148_151del (p.Thr50fs)

Gene: PKP2 (plakophilin 2; minus strand). Cytogenetic location: 12p11.21.
Variant type: Deletion.
Coding change: c.148_151del on transcript NM_001005242.3 (MANE Select); coding-DNA positions 148 to 151, 4 bases deleted (ACAG; older notation c.148_151delACAG).
Protein change: p.Thr50fs; shifts the reading frame from threonine 50.
Molecular consequence: frameshift variant.
Genome position (GRCh38, 1-based): chr12:32,896,581-32,896,584, CTGT deleted on the plus strand (ACAG on the coding strand, the reverse complement: PKP2 is on the minus strand); deleting any 4 consecutive bases within chr12:32,896,581-32,896,587 gives the same sequence; the c. name uses the placement nearest the transcript's 3' end. VCF-style (leftmost placement, unchanged base first): chr12-32896580-ACTGT-A. GRCh37 (hg19) VCF-style: chr12-33049514-ACTGT-A.
Other names: p.Thr50Serfs*61; c.148_151delACAG (NM_004572.3, NM_001005242.2, NM_001005242.3 and 1 more transcripts); c.148_151del, p.Thr50fs (NM_004572.4); short protein forms T50fs.
Identifiers: ClinVar variation 45028 (VCV000045028.64), dbSNP rs397516997, ClinGen allele CA011079.